The following is an entry in ClinVar:

NM_003480.4(MFAP5):c.14G>A (p.Gly5Glu)

Gene: MFAP5 (microfibril associated protein 5; minus strand). Cytogenetic location: 12p13.31.
Variant type: single nucleotide variant.
Coding change: c.14G>A on transcript NM_003480.4 (MANE Select); coding-DNA position 14, G replaced by A.
Protein change: p.Gly5Glu; replaces glycine 5 with glutamic acid.
Molecular consequence: missense variant. On other transcripts: non-coding transcript variant (2).
Genome position (GRCh38, 1-based): chr12:8,662,091, C>T on the plus strand (G>A on the coding strand, the complement: MFAP5 is on the minus strand). VCF-style: chr12-8662091-C-T. GRCh37 (hg19) VCF-style: chr12-8814687-C-T.
Other names: c.14G>A (NM_003480.2); c.14G>A, p.Gly5Glu (NM_001297709.2, NM_001297710.2, NM_001297711.2 and 1 more transcripts); short protein forms G5E.
Identifiers: ClinVar variation 1929615 (VCV001929615.7), dbSNP rs1347983798, ClinGen allele CA384039749.

ClinVar aggregate classification (germline): Uncertain significance. Review status: criteria provided, multiple submitters, no conflicts (2 of 4 stars). 2 submissions from 2 submitters: Uncertain significance (2). Last evaluated 2023-05-21.

Conditions:
Cardiovascular phenotype. Identifiers: MedGen CN230736.

Allele frequency attached by ClinVar (database versions not stated): gnomAD 0.00001; gnomAD exomes 0.00001; TOPMed 0.00001.
gnomAD v4.1: 6 of 1,613,550 alleles (0.00037%); highest among the groups gnomAD compares: Admixed American, 0.0017%; no homozygotes.

Submissions (2):

Ambry Genetics
Classification: Uncertain significance for Cardiovascular phenotype. Last evaluated: 2023-05-21. Review status: criteria provided, single submitter. Criteria: Ambry Variant Classification Scheme 2023. Collection method: clinical testing. Allele origin: germline.
Comment: The p.G5E variant (also known as c.14G>A), located in coding exon 1 of the MFAP5 gene, results from a G to A substitution at nucleotide position 14. The glycine at codon 5 is replaced by glutamic acid, an amino acid with similar properties. This amino acid position is conserved. In addition, this alteration is predicted to be tolerated by in silico analysis. Since supporting evidence is limited at this time, the clinical significance of this alteration remains unclear.

Labcorp Genetics (formerly Invitae), Labcorp
Classification: Uncertain significance. Last evaluated: 2022-08-12. Review status: criteria provided, single submitter. Criteria: Invitae Variant Classification Sherloc (09022015). Collection method: clinical testing. Allele origin: germline.
Comment: In summary, the available evidence is currently insufficient to determine the role of this variant in disease. Therefore, it has been classified as a Variant of Uncertain Significance. Algorithms developed to predict the effect of missense changes on protein structure and function output the following: SIFT: "Deleterious"; PolyPhen-2: "Benign"; Align-GVGD: "Class C0". The glutamic acid amino acid residue is found in multiple mammalian species, which suggests that this missense change does not adversely affect protein function. This variant has not been reported in the literature in individuals affected with MFAP5-related conditions. This variant is present in population databases (no rsID available, gnomAD 0.003%). This sequence change replaces glycine, which is neutral and non-polar, with glutamic acid, which is acidic and polar, at codon 5 of the MFAP5 protein (p.Gly5Glu).